The following is an entry in ClinVar:

NM_002485.5(NBN):c.1450G>A (p.Glu484Lys)

Gene: NBN (nibrin; minus strand). Cytogenetic location: 8q21.3.
Variant type: single nucleotide variant.
Coding change: c.1450G>A on transcript NM_002485.5 (MANE Select); coding-DNA position 1450, G replaced by A.
Protein change: p.Glu484Lys; replaces glutamic acid 484 with lysine.
Molecular consequence: missense variant.
Genome position (GRCh38, 1-based): chr8:89,953,639, C>T on the plus strand (G>A on the coding strand, the complement: NBN is on the minus strand). VCF-style: chr8-89953639-C-T. GRCh37 (hg19) VCF-style: chr8-90965867-C-T.
Other names: c.1204G>A, p.Glu402Lys (NM_001024688.3); short protein forms E484K, E402K.
Identifiers: ClinVar variation 1772945 (VCV001772945.2), dbSNP rs1323759953, ClinGen allele CA371655826.

ClinVar aggregate classification (germline): Uncertain significance (1 of 4 stars; one submission).

Conditions:
Hereditary cancer-predisposing syndrome. Also called: Hereditary Cancer Syndrome; Hereditary neoplastic syndrome; Neoplastic Syndromes, Hereditary; Tumor predisposition. Identifiers: Orphanet 140162, MedGen C0027672, MeSH D009386, MONDO:0015356.

Submission:

Ambry Genetics
Classification: Uncertain significance for Hereditary cancer-predisposing syndrome. Last evaluated: 2020-02-25. Review status: criteria provided, single submitter. Criteria: Ambry Variant Classification Scheme 2023. Collection method: clinical testing. Allele origin: germline.
Comment: The p.E484K variant (also known as c.1450G>A), located in coding exon 11 of the NBN gene, results from a G to A substitution at nucleotide position 1450. The glutamic acid at codon 484 is replaced by lysine, an amino acid with similar properties. This amino acid position is highly conserved in available vertebrate species. In addition, the in silico prediction for this alteration is inconclusive. Since supporting evidence is limited at this time, the clinical significance of this alteration remains unclear.